The following is an entry in ClinVar:

NM_002439.5(MSH3):c.598C>G (p.Leu200Val)

Gene: MSH3 (mutS homolog 3; plus strand). Cytogenetic location: 5q14.1.
Variant type: single nucleotide variant.
Coding change: c.598C>G on transcript NM_002439.5 (MANE Select); coding-DNA position 598, C replaced by G.
Protein change: p.Leu200Val; replaces leucine 200 with valine.
Molecular consequence: missense variant.
Genome position (GRCh38, 1-based): chr5:80,670,115, C>G. VCF-style: chr5-80670115-C-G. GRCh37 (hg19) VCF-style: chr5-79965934-C-G.
Other names: c.598C>G (NM_002439.3); short protein forms L200V.
Identifiers: ClinVar variation 650915 (VCV000650915.6), dbSNP rs1580550120, ClinGen allele CA360265911.
Genomic context (GRCh38, chr5:80,670,115, plus strand): 5'-TGGTTAATATTTTTAAAACTTTATACATCTTTTGGTTGCCAGGACACAACACTTTTTGAT[C>G]TCAGTCAGTTTGGATCATCAAATACAAGTCATGAAAATTTACAGAAAACTGCTTCCAAAT-3'
Protein context (NP_002430.3, residues 190-210): INQKDTTLFD[Leu200Val]SQFGSSNTSH

ClinVar aggregate classification (germline): Conflicting classifications of pathogenicity. Review status: criteria provided, conflicting classifications (1 of 4 stars). 2 submissions from 2 submitters: Uncertain significance (1); Likely benign (1). Last evaluated 2025-03-08.

Conditions:
Hereditary cancer-predisposing syndrome. Also called: Neoplastic Syndromes, Hereditary; Tumor predisposition; Hereditary Cancer Syndrome; Hereditary neoplastic syndrome. Identifiers: Orphanet 140162, MedGen C0027672, MeSH D009386, MONDO:0015356.

Submissions (2):

Ambry Genetics
Classification: Likely benign for Hereditary cancer-predisposing syndrome. Last evaluated: 2025-03-08. Review status: criteria provided, single submitter. Criteria: Ambry Variant Classification Scheme 2023. Collection method: clinical testing. Allele origin: germline.

Labcorp Genetics (formerly Invitae), Labcorp
Classification: Uncertain significance. Last evaluated: 2025-02-17. Review status: criteria provided, single submitter. Criteria: Invitae Variant Classification Sherloc (09022015). Collection method: clinical testing. Allele origin: germline.
Comment: This sequence change replaces leucine, which is neutral and non-polar, with valine, which is neutral and non-polar, at codon 200 of the MSH3 protein (p.Leu200Val). This variant is not present in population databases (gnomAD no frequency). This variant has not been reported in the literature in individuals affected with MSH3-related conditions. ClinVar contains an entry for this variant (Variation ID: 650915). An algorithm developed to predict the effect of missense changes on protein structure and function outputs the following: PolyPhen-2: "Benign". The valine amino acid residue is found in multiple mammalian species, which suggests that this missense change does not adversely affect protein function. In summary, the available evidence is currently insufficient to determine the role of this variant in disease. Therefore, it has been classified as a Variant of Uncertain Significance.